The following is an entry in ClinVar:

ClinVar aggregate classification (germline): Pathogenic. Review status: criteria provided, multiple submitters, no conflicts (2 of 4 stars). 3 submissions from 3 submitters: Pathogenic (3). Last evaluated 2023-06-28.

Conditions:
Hereditary cancer-predisposing syndrome. Also called: Neoplastic Syndromes, Hereditary; Tumor predisposition; Hereditary Cancer Syndrome; Hereditary neoplastic syndrome. Identifiers: Orphanet 140162, MedGen C0027672, MeSH D009386, MONDO:0015356.
Familial cancer of breast. Also called: BREAST CANCER, FAMILIAL; Hereditary breast cancer; hereditary breast carcinoma. Identifiers: Orphanet 227535, MedGen C0346153, MONDO:0016419, OMIM 114480. Disease mechanism: loss of function.

Submissions (3):

Myriad Genetics, Inc.
Classification: Pathogenic for Familial cancer of breast. Last evaluated: 2023-06-28. Review status: criteria provided, single submitter. Criteria: Myriad Autosomal Dominant, Autosomal Recessive and X-Linked Classification Criteria (2023). Collection method: clinical testing. Allele origin: unknown.
Comment: This variant is considered pathogenic. This variant creates a termination codon and is predicted to result in premature protein truncation.

Ambry Genetics
Classification: Pathogenic for Hereditary cancer-predisposing syndrome. Last evaluated: 2023-05-17. Review status: criteria provided, single submitter. Criteria: Ambry Variant Classification Scheme 2023. Collection method: clinical testing. Allele origin: germline.
Comment: The p.E479* pathogenic mutation (also known as c.1435G>T), located in coding exon 12 of the CHEK2 gene, results from a G to T substitution at nucleotide position 1435. This changes the amino acid from a glutamic acid to a stop codon within coding exon 12. This variant is considered to be rare based on population cohorts in the Genome Aggregation Database (gnomAD). This alteration is expected to result in loss of function by premature protein truncation or nonsense-mediated mRNA decay. As such, this alteration is interpreted as a disease-causing mutation.

Labcorp Genetics (formerly Invitae), Labcorp
Classification: Pathogenic for Familial cancer of breast. Last evaluated: 2023-02-16. Review status: criteria provided, single submitter. Criteria: Invitae Variant Classification Sherloc (09022015). Collection method: clinical testing. Allele origin: germline.
Comment: This sequence change creates a premature translational stop signal (p.Glu479*) in the CHEK2 gene. It is expected to result in an absent or disrupted protein product. Loss-of-function variants in CHEK2 are known to be pathogenic (PMID: 21876083, 24713400). For these reasons, this variant has been classified as Pathogenic. RNA analysis provides insufficient evidence to determine the effect of this variant on CHEK2 splicing (Invitae). ClinVar contains an entry for this variant (Variation ID: 481731). This variant has not been reported in the literature in individuals affected with CHEK2-related conditions. This variant is not present in population databases (gnomAD no frequency).

Literature cited by the submitters: PubMed 21876083 (cited by Labcorp Genetics (formerly Invitae), Labcorp); PubMed 24713400 (cited by Labcorp Genetics (formerly Invitae), Labcorp).

NM_007194.4(CHEK2):c.1435G>T (p.Glu479Ter)

Gene: CHEK2 (checkpoint kinase 2; minus strand). Cytogenetic location: 22q12.1.
Variant type: single nucleotide variant.
Coding change: c.1435G>T on transcript NM_007194.4 (MANE Select); coding-DNA position 1435, G replaced by T.
Protein change: p.Glu479Ter; replaces glutamic acid 479 with a stop codon.
Molecular consequence: nonsense.
Genome position (GRCh38, 1-based): chr22:28,694,058, C>A on the plus strand (G>T on the coding strand, the complement: CHEK2 is on the minus strand). VCF-style: chr22-28694058-C-A. GRCh37 (hg19) VCF-style: chr22-29090046-C-A.
Other names: c.1564G>T, p.Glu522Ter (NM_001005735.3); c.772G>T, p.Glu258Ter (NM_001257387.3); c.1234G>T, p.Glu412Ter (NM_001349956.3); c.1348G>T, p.Glu450Ter (NM_145862.3); short protein forms E479*, E258*, E412*, E450*, E522*.
Identifiers: ClinVar variation 481731 (VCV000481731.14), dbSNP rs1555913106, ClinGen allele CA411094167.